The following is an entry in ClinVar:

ClinVar aggregate classification (germline): Uncertain significance (1 of 4 stars; one submission).

gnomAD v4.1: 1 of 1,614,200 alleles (0.000062%); highest among the groups gnomAD compares: East Asian, 0.0022%; no homozygotes.

Submission:

Women's Health and Genetics/Laboratory Corporation of America, LabCorp
Classification: Uncertain significance. Last evaluated: 2024-12-10. Review status: criteria provided, single submitter. Criteria: LabCorp Variant Classification Summary - May 2015. Collection method: clinical testing. Allele origin: germline.
Comment: Variant summary: KMT2C c.5563C>T (p.Pro1855Ser) results in a non-conservative amino acid change in the encoded protein sequence. Five of five in-silico tools predict a damaging effect of the variant on protein function. The variant was absent in 250938 control chromosomes. The available data on variant occurrences in the general population are insufficient to allow any conclusion about variant significance. To our knowledge, no occurrence of c.5563C>T in individuals affected with Kleefstra Syndrome 2 and no experimental evidence demonstrating its impact on protein function have been reported. No submitters have cited clinical-significance assessments for this variant to ClinVar. Based on the evidence outlined above, the variant was classified as uncertain significance.

NM_170606.3(KMT2C):c.5563C>T (p.Pro1855Ser)

Gene: KMT2C (lysine methyltransferase 2C; minus strand). Cytogenetic location: 7q36.1.
Variant type: single nucleotide variant.
Coding change: c.5563C>T on transcript NM_170606.3 (MANE Select); coding-DNA position 5563, C replaced by T.
Protein change: p.Pro1855Ser; replaces proline 1855 with serine.
Molecular consequence: missense variant.
Genome position (GRCh38, 1-based): chr7:152,182,297, G>A on the plus strand (C>T on the coding strand, the complement: KMT2C is on the minus strand). VCF-style: chr7-152182297-G-A. GRCh37 (hg19) VCF-style: chr7-151879382-G-A.
Other names: short protein forms P1855S.
Identifiers: ClinVar variation 3768182 (VCV003768182.1).
Genomic context (GRCh38, chr7:152,182,297, plus strand): 5'-GAGAAGTCTGAGCCTGAGAAAGACTATCCTGGATGGGAATCCGGGATGGGGCTGGAGGAG[G>A]AGGTGGAGCTTGTGGCTTTACAAACACATCATCTGAAGATGTAGACGTAGGGGTACTGGG-3'
Protein context (NP_733751.2, residues 1845-1865): DVFVKPQAPP[Pro1855Ser]PPAPSRIPIQ